The following is an entry in ClinVar:

ClinVar aggregate classification (germline): Conflicting classifications of pathogenicity. Review status: criteria provided, conflicting classifications (1 of 4 stars). 3 submissions from 3 submitters: Uncertain significance (1); Likely benign (2). Last evaluated 2025-02-12.

Conditions:
Inborn genetic diseases. Identifiers: MedGen C0950123, MeSH D030342.

Allele frequency attached by ClinVar (database versions not stated): gnomAD exomes 0.00006 and 0.00004; ExAC 0.00007; ESP Exome Variant Server 0.00008; gnomAD 0.00002; TOPMed 0.00005.
gnomAD v4.1: 65 of 1,614,002 alleles (0.004%); highest among the groups gnomAD compares: Middle Eastern, 0.016%; no homozygotes.

Submissions (3):

Labcorp Genetics (formerly Invitae), Labcorp
Classification: Likely benign. Last evaluated: 2025-02-12. Review status: criteria provided, single submitter. Criteria: Invitae Variant Classification Sherloc (09022015). Collection method: clinical testing. Allele origin: germline.

CeGaT Center for Human Genetics Tuebingen
Classification: Likely benign. Last evaluated: 2024-05-01. Review status: criteria provided, single submitter. Criteria: CeGaT Center For Human Genetics Tuebingen Variant Classification Criteria Version 2. Collection method: clinical testing. Allele origin: germline. Affected: yes. Observed: 1 variant allele.
Comment: SCN3A: BP4

Ambry Genetics
Classification: Uncertain significance for Inborn genetic diseases. Last evaluated: 2021-05-20. Review status: criteria provided, single submitter. Criteria: Ambry Variant Classification Scheme 2023. Collection method: clinical testing. Allele origin: germline.

NM_006922.4(SCN3A):c.850G>A (p.Asp284Asn)

Gene: SCN3A (sodium voltage-gated channel alpha subunit 3; minus strand). Cytogenetic location: 2q24.3.
Variant type: single nucleotide variant.
Coding change: c.850G>A on transcript NM_006922.4 (MANE Select); coding-DNA position 850, G replaced by A.
Protein change: p.Asp284Asn; replaces aspartic acid 284 with asparagine.
Molecular consequence: missense variant.
Genome position (GRCh38, 1-based): chr2:165,162,673, C>T on the plus strand (G>A on the coding strand, the complement: SCN3A is on the minus strand). VCF-style: chr2-165162673-C-T. GRCh37 (hg19) VCF-style: chr2-166019183-C-T.
Other names: c.850G>A, p.Asp284Asn (NM_001081676.2, NM_001081677.2); short protein forms D284N.
Identifiers: ClinVar variation 638991 (VCV000638991.30), dbSNP rs142323631, ClinGen allele CA1939323.